The following is an entry in ClinVar:

ClinVar aggregate classification (germline): Likely benign (1 of 4 stars; one submission).

gnomAD v4.1: 1 of 1,613,860 alleles (0.000062%); highest among the groups gnomAD compares: South Asian, 0.0011%; no homozygotes.

Submission:

CeGaT Center for Human Genetics Tuebingen
Classification: Likely benign. Last evaluated: 2026-05-01. Review status: criteria provided, single submitter. Criteria: CeGaT Center For Human Genetics Tuebingen Variant Classification Criteria Version 2. Collection method: clinical testing. Allele origin: germline. Affected: yes. Observed: 1 variant allele.
Comment: ZNF280B: BP4, BP7

NM_080764.4(ZNF280B):c.1512A>G (p.Gln504=)

Genes: IGL (immunoglobulin lambda locus; plus strand), ZNF280B (zinc finger protein 280B; minus strand). Cytogenetic location: 22q11.22.
Variant type: single nucleotide variant.
Coding change: c.1512A>G on transcript NM_080764.4 (MANE Select); coding-DNA position 1512, A replaced by G.
Protein change: p.Gln504=; no amino-acid change (glutamine 504 retained).
Molecular consequence: synonymous variant. On other transcripts: non-coding transcript variant (1).
Genome position (GRCh38, 1-based): chr22:22,487,887, T>C on the plus strand (A>G on the coding strand, the complement: ZNF280B is on the minus strand). VCF-style: chr22-22487887-T-C. GRCh37 (hg19) VCF-style: chr22-22842212-T-C.
Identifiers: ClinVar variation 4873139 (VCV004873139.2).